The following is an entry in ClinVar:

ClinVar aggregate classification (germline): Uncertain significance (1 of 4 stars; one submission).

gnomAD v4.1: 4 of 1,613,650 alleles (0.00025%); highest among the groups gnomAD compares: African/African-American, 0.0013%; no homozygotes.

Submission:

Labcorp Genetics (formerly Invitae), Labcorp
Classification: Uncertain significance. Last evaluated: 2023-12-04. Review status: criteria provided, single submitter. Criteria: Invitae Variant Classification Sherloc (09022015). Collection method: clinical testing. Allele origin: germline.
Comment: This sequence change replaces glycine, which is neutral and non-polar, with glutamic acid, which is acidic and polar, at codon 44 of the RIPPLY2 protein (p.Gly44Glu). This variant is not present in population databases (gnomAD no frequency). This variant has not been reported in the literature in individuals affected with RIPPLY2-related conditions. An algorithm developed to predict the effect of missense changes on protein structure and function (PolyPhen-2) suggests that this variant is likely to be tolerated. In summary, the available evidence is currently insufficient to determine the role of this variant in disease. Therefore, it has been classified as a Variant of Uncertain Significance.

NM_001009994.3(RIPPLY2):c.131G>A (p.Gly44Glu)

Genes: RIPPLY2 (ripply transcriptional repressor 2; plus strand), RIPPLY2-CYB5R4 (RIPPLY2-CYB5R4 readthrough; plus strand). Cytogenetic location: 6q14.2.
Variant type: single nucleotide variant.
Coding change: c.131G>A on transcript NM_001009994.3 (MANE Select); coding-DNA position 131, G replaced by A.
Protein change: p.Gly44Glu; replaces glycine 44 with glutamic acid.
Molecular consequence: missense variant. On other transcripts: 5 prime UTR variant (2), non-coding transcript variant (5).
Genome position (GRCh38, 1-based): chr6:83,853,730, G>A. VCF-style: chr6-83853730-G-A. GRCh37 (hg19) VCF-style: chr6-84563449-G-A.
Other names: c.-136G>A (NM_001400774.1); c.-130G>A (NM_001400899.1); c.131G>A, p.Gly44Glu (NM_001400900.1); short protein forms G44E.
Identifiers: ClinVar variation 2875662 (VCV002875662.3), dbSNP rs892815020, ClinGen allele CA365049115.